The following is an entry in ClinVar:

NM_006944.3(SPP2):c.408G>T (p.Trp136Cys)

Gene: SPP2 (secreted phosphoprotein 2; plus strand). Cytogenetic location: 2q37.1.
Variant type: single nucleotide variant.
Coding change: c.408G>T on transcript NM_006944.3 (MANE Select); coding-DNA position 408, G replaced by T.
Protein change: p.Trp136Cys; replaces tryptophan 136 with cysteine.
Molecular consequence: missense variant.
Genome position (GRCh38, 1-based): chr2:234,060,443, G>T. VCF-style: chr2-234060443-G-T. GRCh37 (hg19) VCF-style: chr2-234969087-G-T.
Other names: short protein forms W136C.
Identifiers: ClinVar variation 1023783 (VCV001023783.9), dbSNP rs200554838, ClinGen allele CA67658937.
Genomic context (GRCh38, chr2:234,060,443, plus strand): 5'-CAGAAGCACCGTGAAGGTATCTGCCCAGCAGGTGCAGGGCGTGCATGCTCGCTGCAGCTG[G>T]TCCTCCTCCACGTCTGAGTCTTACAGCAGCGAAGAGGTATGACTGGGGCCTTGTCTCCTC-3'
Protein context (NP_008875.1, residues 126-146): QVQGVHARCS[Trp136Cys]SSSTSESYSS

ClinVar aggregate classification (germline): Uncertain significance. Review status: criteria provided, multiple submitters, no conflicts (2 of 4 stars). 2 submissions from 2 submitters: Uncertain significance (2). Last evaluated 2023-10-17.

Allele frequency attached by ClinVar (database versions not stated): gnomAD 0.00002; TOPMed 0.00002.
gnomAD v4.1: 23 of 1,613,504 alleles (0.0014%); highest among the groups gnomAD compares: Non-Finnish European, 0.0017%; no homozygotes.

Submissions (2):

Blueprint Genetics
Classification: Uncertain significance. Last evaluated: 2023-10-17. Review status: criteria provided, single submitter. Criteria: ACMG Guidelines, 2015. Collection method: clinical testing. Allele origin: germline.

Labcorp Genetics (formerly Invitae), Labcorp
Classification: Uncertain significance. Last evaluated: 2022-03-18. Review status: criteria provided, single submitter. Criteria: Invitae Variant Classification Sherloc (09022015). Collection method: clinical testing. Allele origin: germline.
Comment: This sequence change replaces tryptophan, which is neutral and slightly polar, with cysteine, which is neutral and slightly polar, at codon 136 of the SPP2 protein (p.Trp136Cys). This variant is present in population databases (rs200554838, gnomAD 0.01%). This variant has not been reported in the literature in individuals affected with SPP2-related conditions. ClinVar contains an entry for this variant (Variation ID: 1023783). Algorithms developed to predict the effect of missense changes on protein structure and function are either unavailable or do not agree on the potential impact of this missense change (SIFT: "Deleterious"; PolyPhen-2: "Probably Damaging"; Align-GVGD: "Class C15"). In summary, the available evidence is currently insufficient to determine the role of this variant in disease. Therefore, it has been classified as a Variant of Uncertain Significance.